The following is an entry in ClinVar:

ClinVar aggregate classification (germline): Uncertain significance. Review status: criteria provided, multiple submitters, no conflicts (2 of 4 stars). 2 submissions from 2 submitters: Uncertain significance (2). Last evaluated 2025-12-09.

Conditions:
Inborn genetic diseases. Identifiers: MedGen C0950123, MeSH D030342.

Allele frequency attached by ClinVar (database versions not stated): gnomAD exomes below 0.00001.
gnomAD v4.1: 1 of 1,594,990 alleles (0.000063%); highest among the groups gnomAD compares: East Asian, 0.0022%; no homozygotes.

Submissions (2):

Ambry Genetics
Classification: Uncertain significance for Inborn genetic diseases. Last evaluated: 2025-12-09. Review status: criteria provided, single submitter. Criteria: Ambry Variant Classification Scheme 2023. Collection method: clinical testing. Allele origin: germline.

GeneDx
Classification: Uncertain significance. Last evaluated: 2022-11-11. Review status: criteria provided, single submitter. Criteria: GeneDx Variant Classification Process June 2021. Collection method: clinical testing. Allele origin: germline. Affected: yes.
Comment: Not observed at significant frequency in large population cohorts (gnomAD); In silico analysis supports that this missense variant has a deleterious effect on protein structure/function; Has not been previously published as pathogenic or benign to our knowledge

NM_001367561.1(DOCK7):c.1690C>T (p.Leu564Phe)

Gene: DOCK7 (dedicator of cytokinesis 7; minus strand). Cytogenetic location: 1p31.3.
Variant type: single nucleotide variant.
Coding change: c.1690C>T on transcript NM_001367561.1 (MANE Select); coding-DNA position 1690, C replaced by T.
Protein change: p.Leu564Phe; replaces leucine 564 with phenylalanine.
Molecular consequence: missense variant.
Genome position (GRCh38, 1-based): chr1:62,586,617, G>A on the plus strand (C>T on the coding strand, the complement: DOCK7 is on the minus strand). VCF-style: chr1-62586617-G-A. GRCh37 (hg19) VCF-style: chr1-63052288-G-A.
Other names: c.1690C>T, p.Leu564Phe (NM_001271999.2, NM_001272000.2, NM_001272001.2 and 3 more transcripts); c.1690C>T (NM_033407.2); short protein forms L564F.
Identifiers: ClinVar variation 2502040 (VCV002502040.2), dbSNP rs1647565613, ClinGen allele CA340630092.
Genomic context (GRCh38, chr1:62,586,617, plus strand): 5'-TTATATTTCTAGCAGAACCTTGACGATTGGCAAAATTAAGACTCTGAGGGTATATGTAGA[G>A]AAGATTTCTGTGAAAGCAACAGTATAGATGATAGTAAATACATATCTAAGAAACACTATG-3'
Protein context (NP_001354490.1, residues 554-574): YVPNTTYRNL[Leu564Phe]YIYPQSLNFA